The following is an entry in ClinVar:

NM_001365999.1(SZT2):c.8555C>G (p.Thr2852Arg)

Gene: SZT2 (SZT2 subunit of KICSTOR complex; plus strand). Cytogenetic location: 1p34.2.
Variant type: single nucleotide variant.
Coding change: c.8555C>G on transcript NM_001365999.1 (MANE Select); coding-DNA position 8555, C replaced by G.
Protein change: p.Thr2852Arg; replaces threonine 2852 with arginine.
Molecular consequence: missense variant.
Genome position (GRCh38, 1-based): chr1:43,443,407, C>G. VCF-style: chr1-43443407-C-G. GRCh37 (hg19) VCF-style: chr1-43909078-C-G.
Other names: c.8384C>G, p.Thr2795Arg (NM_015284.4); short protein forms T2795R, T2852R.
Identifiers: ClinVar variation 3905590 (VCV003905590.10).

ClinVar aggregate classification (germline): Uncertain significance (1 of 4 stars; one submission).

Submission:

CeGaT Center for Human Genetics Tuebingen
Classification: Uncertain significance. Last evaluated: 2025-05-01. Review status: criteria provided, single submitter. Criteria: CeGaT Center For Human Genetics Tuebingen Variant Classification Criteria Version 2. Collection method: clinical testing. Allele origin: germline. Affected: yes. Observed: 1 variant allele.
Comment: SZT2: PM2